The following is an entry in ClinVar:

ClinVar aggregate classification (germline): Uncertain significance (1 of 4 stars; one submission).

Conditions:
Inborn genetic diseases. Identifiers: MedGen C0950123, MeSH D030342.

gnomAD v4.1: 2 of 1,613,816 alleles (0.00012%); highest among the groups gnomAD compares: East Asian, 0.0022%; no homozygotes.

Submission:

Ambry Genetics
Classification: Uncertain significance for Inborn genetic diseases. Last evaluated: 2022-08-24. Review status: criteria provided, single submitter. Criteria: Ambry Variant Classification Scheme 2023. Collection method: clinical testing. Allele origin: germline.
Comment: The p.R1334G variant (also known as c.4000C>G), located in coding exon 29 of the LRRK2 gene, results from a C to G substitution at nucleotide position 4000. The arginine at codon 1334 is replaced by glycine, an amino acid with dissimilar properties. This amino acid position is conserved. In addition, this alteration is predicted to be deleterious by in silico analysis. Since supporting evidence is limited at this time, the clinical significance of this alteration remains unclear.

NM_198578.4(LRRK2):c.4000C>G (p.Arg1334Gly)

Gene: LRRK2 (leucine rich repeat kinase 2; plus strand). Cytogenetic location: 12q12.
Variant type: single nucleotide variant.
Coding change: c.4000C>G on transcript NM_198578.4 (MANE Select); coding-DNA position 4000, C replaced by G.
Protein change: p.Arg1334Gly; replaces arginine 1334 with glycine.
Molecular consequence: missense variant.
Genome position (GRCh38, 1-based): chr12:40,308,507, C>G. VCF-style: chr12-40308507-C-G. GRCh37 (hg19) VCF-style: chr12-40702309-C-G.
Other names: short protein forms R1334G.
Identifiers: ClinVar variation 1736932 (VCV001736932.2), dbSNP rs201177073, ClinGen allele CA384417534.
Genomic context (GRCh38, chr12:40,308,507, plus strand): 5'-TTTTATCTTTCAAATACTAGGTTTCTTCAACAGCGATTAAAAAAGGCTGTGCCTTATAAC[C>G]GAATGAAACTTATGATTGTGGGAAATACTGGGAGTGGTAAAACCACCTTATTGCAGCAAT-3'
Protein context (NP_940980.4, residues 1324-1344): QRLKKAVPYN[Arg1334Gly]MKLMIVGNTG